The following is an entry in ClinVar:

NM_001164508.2(NEB):c.4325G>T (p.Ser1442Ile)

Gene: NEB (nebulin; minus strand). Cytogenetic location: 2q23.3.
Variant type: single nucleotide variant.
Coding change: c.4325G>T on transcript NM_001164508.2 (MANE Select); coding-DNA position 4325, G replaced by T.
Protein change: p.Ser1442Ile; replaces serine 1442 with isoleucine.
Molecular consequence: missense variant.
Genome position (GRCh38, 1-based): chr2:151,671,204, C>A on the plus strand (G>T on the coding strand, the complement: NEB is on the minus strand). VCF-style: chr2-151671204-C-A. GRCh37 (hg19) VCF-style: chr2-152527718-C-A.
Other names: c.4325G>T, p.Ser1442Ile (NM_001164507.2, NM_001271208.2, NM_004543.5); short protein forms S1442I.
Identifiers: ClinVar variation 1983873 (VCV001983873.3), dbSNP rs912970243, ClinGen allele CA57650206.

ClinVar aggregate classification (germline): Uncertain significance. Review status: criteria provided, multiple submitters, no conflicts (2 of 4 stars). 2 submissions from 2 submitters: Uncertain significance (2). Last evaluated 2022-05-28.

Conditions:
Arthrogryposis multiplex congenita 6. Identifiers: MedGen C5543431, MONDO:0030281, OMIM 619334.
Nemaline myopathy 2 (NEM2). Also called: Nemaline myopathy 2, autosomal recessive. Identifiers: MedGen C1850569, MONDO:0009725, OMIM 256030.

Allele frequency attached by ClinVar (database versions not stated): gnomAD exomes below 0.00001; TOPMed below 0.00001.
gnomAD v4.1: 4 of 1,613,776 alleles (0.00025%); highest among the groups gnomAD compares: Non-Finnish European, 0.00025%; no homozygotes.

Submissions (2):

Labcorp Genetics (formerly Invitae), Labcorp
Classification: Uncertain significance for Nemaline myopathy 2. Last evaluated: 2022-05-28. Review status: criteria provided, single submitter. Criteria: Invitae Variant Classification Sherloc (09022015). Collection method: clinical testing. Allele origin: germline.
Comment: In summary, the available evidence is currently insufficient to determine the role of this variant in disease. Therefore, it has been classified as a Variant of Uncertain Significance. Algorithms developed to predict the effect of sequence changes on RNA splicing suggest that this variant may create or strengthen a splice site. Algorithms developed to predict the effect of missense changes on protein structure and function are either unavailable or do not agree on the potential impact of this missense change (SIFT: "Deleterious"; PolyPhen-2: "Not Available"; Align-GVGD: "Class C0"). This variant has not been reported in the literature in individuals affected with NEB-related conditions. This variant is not present in population databases (gnomAD no frequency). This sequence change replaces serine, which is neutral and polar, with isoleucine, which is neutral and non-polar, at codon 1442 of the NEB protein (p.Ser1442Ile).

Department of Pathology and Laboratory Medicine, Sinai Health System
Classification: Uncertain significance for Nemaline myopathy 2; Arthrogryposis multiplex congenita 6. Last evaluated: 2022-05-20. Review status: criteria provided, single submitter. Criteria: ACMG Guidelines, 2015. Collection method: research. Allele origin: germline.